The following is an entry in ClinVar:

NM_000187.4(HGD):c.15G>A (p.Lys5=)

Gene: HGD (homogentisate 1,2-dioxygenase; minus strand). Cytogenetic location: 3q13.33.
Variant type: single nucleotide variant.
Coding change: c.15G>A on transcript NM_000187.4 (MANE Select); coding-DNA position 15, G replaced by A.
Protein change: p.Lys5=; no amino-acid change (lysine 5 retained).
Molecular consequence: synonymous variant.
Genome position (GRCh38, 1-based): chr3:120,682,097, C>T on the plus strand (G>A on the coding strand, the complement: HGD is on the minus strand). VCF-style: chr3-120682097-C-T. GRCh37 (hg19) VCF-style: chr3-120400944-C-T.
Identifiers: ClinVar variation 2584774 (VCV002584774.2), dbSNP rs1708239888, ClinGen allele CA435230120.

ClinVar aggregate classification (germline): Pathogenic (0 of 4 stars; one submission).

Conditions:
Alkaptonuria (AKU). Also called: Alkaptonuric ochronosis; Homogentisic acidura; HOMOGENTISIC ACID OXIDASE DEFICIENCY; Alcaptonuria. Identifiers: Orphanet 56, MedGen C0002066, MONDO:0008753, OMIM 203500.

Allele frequency attached by ClinVar (database versions not stated): TOPMed below 0.00001.
gnomAD v4.1: 1 of 1,614,006 alleles (0.000062%); highest among the groups gnomAD compares: Non-Finnish European, 0.000085%; no homozygotes.

Submission:

Department Of Human Genetics, Institute Of Clinical And Translational Research, Biomedical Research Center, Slovak Academy Of Sciences
Classification: Pathogenic for Alkaptonuria. Review status: no assertion criteria provided. Collection method: research. Allele origin: germline. Inheritance: Autosomal recessive inheritance. Observed: 4 variant alleles.
Comment: The variant was originally described in doi: org/10.5734/JGM.2018.15.1.17. It has been submitted to the HGD gene mutation database (DB-ID: AKU_00266).

Literature cited by the submitters: DOI org/10.5734/JGM.2018.15.1.17.